The following is an entry in ClinVar:

ClinVar aggregate classification (germline): Uncertain significance. Review status: criteria provided, multiple submitters, no conflicts (2 of 4 stars). 4 submissions from 4 submitters: Uncertain significance (4). Last evaluated 2025-09-15.

Conditions:
Inborn genetic diseases. Identifiers: MedGen C0950123, MeSH D030342.
Autosomal dominant epilepsy with auditory features. Identifiers: Orphanet 101046, MedGen C1838062, MONDO:0010898.
Epilepsy, familial temporal lobe, 1. Identifiers: Orphanet 101046, MedGen CN030884, MONDO:0700090, OMIM 600512.

Allele frequency attached by ClinVar (database versions not stated): TOPMed 0.00008; ExAC 0.00001; gnomAD exomes 0.00001.
gnomAD v4.1: 3 of 1,614,190 alleles (0.00019%); highest among the groups gnomAD compares: Admixed American, 0.0033%; no homozygotes.

Submissions (4):

Dasa
Classification: Uncertain significance. Last evaluated: 2025-09-15. Review status: criteria provided, single submitter. Criteria: DASA Assertion Criteria. Collection method: clinical testing. Allele origin: germline.
Comment: NM_005097.4(LGI1):c.1129T>C (p.Tyr377His) is a missense variant that results in the substitution of tyrosine with histidine. This variant is rare in population databases. The currently available literature and clinical evidence are not sufficient to establish a definitive association between this variant and the reported condition. Therefore, this variant is classified as a variant of uncertain significance.

Labcorp Genetics (formerly Invitae), Labcorp
Classification: Uncertain significance for Autosomal dominant epilepsy with auditory features. Last evaluated: 2024-07-01. Review status: criteria provided, single submitter. Criteria: Invitae Variant Classification Sherloc (09022015). Collection method: clinical testing. Allele origin: germline.
Comment: This sequence change replaces tyrosine, which is neutral and polar, with histidine, which is basic and polar, at codon 377 of the LGI1 protein (p.Tyr377His). This variant is present in population databases (rs758203843, gnomAD 0.007%). This variant has not been reported in the literature in individuals affected with LGI1-related conditions. ClinVar contains an entry for this variant (Variation ID: 863654). An algorithm developed to predict the effect of missense changes on protein structure and function (PolyPhen-2) suggests that this variant is likely to be tolerated. In summary, the available evidence is currently insufficient to determine the role of this variant in disease. Therefore, it has been classified as a Variant of Uncertain Significance.

Ambry Genetics
Classification: Uncertain significance for Inborn genetic diseases. Last evaluated: 2024-03-29. Review status: criteria provided, single submitter. Criteria: Ambry Variant Classification Scheme 2023. Collection method: clinical testing. Allele origin: germline.

New York Genome Center
Classification: Uncertain significance for Epilepsy, familial temporal lobe, 1. Last evaluated: 2020-06-18. Review status: criteria provided, single submitter. Criteria: NYGC Assertion Criteria 2020. Collection method: clinical testing. Allele origin: inherited. Observed: 1 heterozygote. Study: CSER-NYCKidSeq.
Comment: The inherited heterozygous missense variant (p.Tyr377His) identified in LGI1 has not been reported in affected individuals in the literature. The variant is absent from the gnomAD(v3) database indicating it is an extremely rare allele in the general population. The variant affects an evolutionarily conserved residue and in silico prediction tools provide conflicting interpretations about potential pathogenicityof this variant. Based on the available evidence, the inherited p.Tyr377His variant in the LGI1 gene is assessed as a variant of uncertain significance.

NM_005097.4(LGI1):c.1129T>C (p.Tyr377His)

Gene: LGI1 (leucine rich glioma inactivated 1; plus strand). Cytogenetic location: 10q23.33.
Variant type: single nucleotide variant.
Coding change: c.1129T>C on transcript NM_005097.4 (MANE Select); coding-DNA position 1129, T replaced by C.
Protein change: p.Tyr377His; replaces tyrosine 377 with histidine.
Molecular consequence: missense variant. On other transcripts: non-coding transcript variant (1), intron variant (1).
Genome position (GRCh38, 1-based): chr10:93,797,258, T>C. VCF-style: chr10-93797258-T-C. GRCh37 (hg19) VCF-style: chr10-95557015-T-C.
Other names: c.985T>C, p.Tyr329His (NM_001308276.2); c.839-491T>C (NM_001308275.2); short protein forms Y377H, Y329H.
Identifiers: ClinVar variation 863654 (VCV000863654.13), dbSNP rs758203843, ClinGen allele CA5611231.
Genomic context (GRCh38, chr10:93,797,258, plus strand): 5'-ACTACCATTTACAAATGGAACGGAAACGGATTCTACTCCCATCAATCCTTACACGCGTGG[T>C]ACAGGGACACTGATGTGGAATATCTAGAAATAGTCAGAACACCTCAGACACTCAGAACGC-3'
Protein context (NP_005088.1, residues 367-387): FYSHQSLHAW[Tyr377His]RDTDVEYLEI